The following is an entry in ClinVar:

NM_018122.5(DARS2):c.1877T>A (p.Leu626Gln)

Gene: DARS2 (aspartyl-tRNA synthetase 2, mitochondrial; plus strand). Cytogenetic location: 1q25.1.
Variant type: single nucleotide variant.
Coding change: c.1877T>A on transcript NM_018122.5 (MANE Select); coding-DNA position 1877, T replaced by A.
Protein change: p.Leu626Gln; replaces leucine 626 with glutamine.
Molecular consequence: missense variant.
Genome position (GRCh38, 1-based): chr1:173,857,644, T>A. VCF-style: chr1-173857644-T-A. GRCh37 (hg19) VCF-style: chr1-173826782-T-A.
Other names: NM_018122.5(DARS2):c.1877T>A; c.1724T>A, p.Leu575Gln (NM_001365212.1); short protein forms L626Q, L575Q.
Identifiers: ClinVar variation 1067 (VCV000001067.2), dbSNP rs121918213, ClinGen allele CA251685.

ClinVar aggregate classification (germline): Uncertain significance. Review status: criteria provided, single submitter (1 of 4 stars). 2 submissions from 2 submitters: Uncertain significance (1). 1 of the submissions does not count toward it. Last evaluated 2025-01-22.

Conditions:
Leukoencephalopathy with brain stem and spinal cord involvement-high lactate syndrome (LBSL). Also called: MITOCHONDRIAL ASPARTYL-tRNA SYNTHETASE DEFICIENCY; Leukoencephalopathy with Brainstem and Spinal Cord Involvement and Lactate Elevation; LEUKOENCEPHALOPATHY WITH BRAINSTEM AND SPINAL CORD INVOLVEMENT AND LACTATE ELEVATION, MILD. Identifiers: Orphanet 137898, MedGen C1970180, MONDO:0012622, OMIM 611105.

Allele frequency attached by ClinVar (database versions not stated): gnomAD exomes below 0.00001; TOPMed below 0.00001; gnomAD 0.00001.

Submissions (2):

Broad Center for Mendelian Genomics, Broad Institute of MIT and Harvard
Classification: Uncertain significance for Leukoencephalopathy with brain stem and spinal cord involvement-high lactate syndrome. Last evaluated: 2025-01-22. Review status: criteria provided, single submitter. Criteria: ACMG Guidelines, 2015. Collection method: curation. Allele origin: germline. Inheritance: Autosomal recessive inheritance.
Comment: The p.Leu626Gln variant in DARS2 has been reported in 1 individual with leukoencephalopathy with brain stem and spinal cord involvement-high lactate syndrome (PMID: 17384640), and has been identified in 0.001% (1/74910) of African/African American chromosomes by the Genome Aggregation Database (gnomAD; dbSNP rs121918213). Although this variant has been seen in the general population in a heterozygous state, its frequency is low enough to be consistent with a recessive carrier frequency. This variant has also been reported in ClinVar (Variation ID: 1067) and has been interpreted as pathogenic by OMIM. In vitro functional studies provide some evidence that the p.Leu626Gln variant may slightly impact protein function (PMID: 23216004, 26620921). However, these types of assays may not accurately represent biological function. Computational tools and conservation analyses suggest that this variant may impact the protein, though this information is not predictive enough to determine pathogenicity. In summary, while there is some suspicion for a pathogenic role, the clinical significance of this variant is uncertain. ACMG/AMP Criteria applied: PP3_moderate, PM2_supporting, PS3_supporting (Richards 2015).

OMIM
Classification: Pathogenic for LEUKOENCEPHALOPATHY WITH BRAINSTEM AND SPINAL CORD INVOLVEMENT AND LACTATE ELEVATION. Last evaluated: 2007-04-01. Review status: no assertion criteria provided. Collection method: literature only. Allele origin: germline. Not counted in ClinVar's aggregate classification.

Literature cited by the submitters: PubMed 26620921 (cited by Broad Center for Mendelian Genomics, Broad Institute of MIT and Harvard); PubMed 17384640 (cited by OMIM).